The following is an entry in ClinVar:

ClinVar aggregate classification (germline): Likely pathogenic (1 of 4 stars; one submission).

Submission:

GeneDx
Classification: Likely pathogenic. Last evaluated: 2025-08-08. Review status: criteria provided, single submitter. Criteria: GeneDx Variant Classification Process June 2021. Collection method: clinical testing. Allele origin: germline. Affected: yes.
Comment: Canonical splice site variant predicted to result in a null allele in a gene for which loss of function is a known mechanism of disease; Not observed at significant frequency in large population cohorts (gnomAD); Has not been previously published as pathogenic or benign to our knowledge

NM_024721.5(ZFHX4):c.3094-2A>G

Gene: ZFHX4 (zinc finger homeobox 4; plus strand). Cytogenetic location: 8q21.13.
Variant type: single nucleotide variant.
Coding change: c.3094-2A>G on transcript NM_024721.5 (MANE Select); the canonical splice acceptor site of the intron before coding-DNA position 3094, A replaced by G.
Molecular consequence: splice acceptor variant.
Genome position (GRCh38, 1-based): chr8:76,778,206, A>G. VCF-style: chr8-76778206-A-G. GRCh37 (hg19) VCF-style: chr8-77690442-A-G.
Other names: c.3016-2A>G (NM_001410934.1).
Identifiers: ClinVar variation 4755993 (VCV004755993.1).
Genomic context (GRCh38, chr8:76,778,206, plus strand): 5'-CCTGTTTTGTTATCCACCATGGAGCTAGACCATTGTTCTAATGAGCCTTCCCTTCCTTTC[A>G]GCACTTGCAGAAGCAAGAGGGTGCAGTGAATCCCGAATCCTGCTATTACTACTGTGCCGT-3'